The following is an entry in ClinVar:

ClinVar aggregate classification (germline): Likely pathogenic (1 of 4 stars; one submission).

Conditions:
Retinitis pigmentosa 75 (RP75). Identifiers: Orphanet 791, MedGen C4310759, MONDO:0014871, OMIM 617023.

gnomAD v4.1: 1 of 1,612,954 alleles (0.000062%); highest among the groups gnomAD compares: African/African-American, 0.0013%; no homozygotes.

Submission:

First Genomix Gene Laboratory, Genetic Diagnostics Department
Classification: Likely pathogenic for Retinitis pigmentosa 75. Last evaluated: 2025-03-27. Review status: criteria provided, single submitter. Criteria: ACMG Guidelines, 2015. Collection method: clinical testing. Allele origin: germline. Inheritance: Autosomal recessive inheritance. Affected: no. Observed: 1 variant allele.

NM_021831.6(AGBL5):c.2242+1G>A

Gene: AGBL5 (AGBL carboxypeptidase 5; plus strand). Cytogenetic location: 2p23.3.
Variant type: single nucleotide variant.
Coding change: c.2242+1G>A on transcript NM_021831.6 (MANE Select); the canonical splice donor site of the intron after coding-DNA position 2242, G replaced by A.
Molecular consequence: splice donor variant.
Genome position (GRCh38, 1-based): chr2:27,067,647, G>A. VCF-style: chr2-27067647-G-A. GRCh37 (hg19) VCF-style: chr2-27290515-G-A.
Identifiers: ClinVar variation 4845840 (VCV004845840.1).